The following is an entry in ClinVar:

NM_080680.3(COL11A2):c.3300C>A (p.Asn1100Lys)

Gene: COL11A2 (collagen type XI alpha 2 chain; minus strand). Cytogenetic location: 6p21.32.
Variant type: single nucleotide variant.
Coding change: c.3300C>A on transcript NM_080680.3 (MANE Select); coding-DNA position 3300, C replaced by A.
Protein change: p.Asn1100Lys; replaces asparagine 1100 with lysine.
Molecular consequence: missense variant.
Genome position (GRCh38, 1-based): chr6:33,171,283, G>T on the plus strand (C>A on the coding strand, the complement: COL11A2 is on the minus strand). VCF-style: chr6-33171283-G-T. GRCh37 (hg19) VCF-style: chr6-33139060-G-T.
Other names: c.3300C>A (NM_080680.2); c.2979C>A, p.Asn993Lys (NM_080679.3); c.3042C>A, p.Asn1014Lys (NM_080681.3); short protein forms N1100K, N993K, N1014K.
Identifiers: ClinVar variation 1508445 (VCV001508445.7), dbSNP rs894604176, ClinGen allele CA137067155.

ClinVar aggregate classification (germline): Uncertain significance. Review status: criteria provided, multiple submitters, no conflicts (2 of 4 stars). 2 submissions from 2 submitters: Uncertain significance (2). Last evaluated 2025-06-24.

Conditions:
COL11A2-related disorder. Also called: COL11A2-related condition; COL11A2-related disorders.

Allele frequency attached by ClinVar (database versions not stated): TOPMed below 0.00001; gnomAD 0.00002.
gnomAD v4.1: 3 of 1,614,068 alleles (0.00019%); highest among the groups gnomAD compares: Admixed American, 0.0033%; no homozygotes.

Submissions (2):

Labcorp Genetics (formerly Invitae), Labcorp
Classification: Uncertain significance. Last evaluated: 2025-06-24. Review status: criteria provided, single submitter. Criteria: Invitae Variant Classification Sherloc (09022015). Collection method: clinical testing. Allele origin: germline.
Comment: This sequence change replaces asparagine, which is neutral and polar, with lysine, which is basic and polar, at codon 1100 of the COL11A2 protein (p.Asn1100Lys). This variant is not present in population databases (gnomAD no frequency). This variant has not been reported in the literature in individuals affected with COL11A2-related conditions. ClinVar contains an entry for this variant (Variation ID: 1508445). Invitae Evidence Modeling of protein sequence and biophysical properties (such as structural, functional, and spatial information, amino acid conservation, physicochemical variation, residue mobility, and thermodynamic stability) indicates that this missense variant is not expected to disrupt COL11A2 protein function with a negative predictive value of 95%. In summary, the available evidence is currently insufficient to determine the role of this variant in disease. Therefore, it has been classified as a Variant of Uncertain Significance.

PreventionGenetics, part of Exact Sciences
Classification: Uncertain significance for COL11A2-related condition. Last evaluated: 2025-01-11. Review status: criteria provided, single submitter. Criteria: ACMG Guidelines, 2015. Collection method: clinical testing. Allele origin: germline.
Comment: The COL11A2 c.3300C>A variant is predicted to result in the amino acid substitution p.Asn1100Lys. To our knowledge, this variant has not been reported in the literature or in a large population database (gnomAD), indicating this variant is rare. At this time, the clinical significance of this variant is uncertain due to the absence of conclusive functional and genetic evidence.